The following is an entry in ClinVar:

ClinVar aggregate classification (germline): Uncertain significance (1 of 4 stars; one submission).

Submission:

Labcorp Genetics (formerly Invitae), Labcorp
Classification: Uncertain significance. Last evaluated: 2022-03-13. Review status: criteria provided, single submitter. Criteria: Invitae Variant Classification Sherloc (09022015). Collection method: clinical testing. Allele origin: germline.
Comment: Algorithms developed to predict the effect of missense changes on protein structure and function (SIFT, PolyPhen-2, Align-GVGD) all suggest that this variant is likely to be tolerated. In summary, the available evidence is currently insufficient to determine the role of this variant in disease. Therefore, it has been classified as a Variant of Uncertain Significance. This variant has not been reported in the literature in individuals affected with WHRN-related conditions. This variant is not present in population databases (gnomAD no frequency). This sequence change replaces alanine, which is neutral and non-polar, with threonine, which is neutral and polar, at codon 24 of the WHRN protein (p.Ala24Thr).

NM_015404.4(WHRN):c.70G>A (p.Ala24Thr)

Gene: WHRN (whirlin; minus strand). Cytogenetic location: 9q32.
Variant type: single nucleotide variant.
Coding change: c.70G>A on transcript NM_015404.4 (MANE Select); coding-DNA position 70, G replaced by A.
Protein change: p.Ala24Thr; replaces alanine 24 with threonine.
Molecular consequence: missense variant.
Genome position (GRCh38, 1-based): chr9:114,504,732, C>T on the plus strand (G>A on the coding strand, the complement: WHRN is on the minus strand). VCF-style: chr9-114504732-C-T. GRCh37 (hg19) VCF-style: chr9-117267012-C-T.
Other names: c.70G>A, p.Ala24Thr (NM_001173425.2); short protein forms A24T.
Identifiers: ClinVar variation 2111339 (VCV002111339.4), dbSNP rs2493933759, ClinGen allele CA374614541.